The following is an entry in ClinVar:

ClinVar aggregate classification (germline): Likely pathogenic; drug response. Review status: reviewed by expert panel (3 of 4 stars). 21 submissions from 15 submitters: Likely pathogenic (1). 13 of the submissions do not count toward it. Last evaluated 2025-08-01.

Conditions:
Malignant hyperthermia, susceptibility to, 1 (MHS1). Also called: RYR1-Related Malignant Hyperthermia Susceptibility; Malignant hyperthermia suceptibility 1; Anesthesia related hyperthermia; Malignant hyperpyrexia; Fulminating hyperpyrexia; Pharmacogenic myopathy. Identifiers: Orphanet 423, MedGen C2930980, MONDO:0007783, OMIM 145600.
King Denborough syndrome (KDS). Identifiers: MedGen C1840365, MONDO:0020485, OMIM 619542.
Congenital myopathy with fiber type disproportion. Also called: Congenital fiber-type disproportion; Congenital fiber-type disproportion myopathy. Identifiers: Orphanet 2020, MedGen C0546264, MONDO:0009711. Inheritance: all.
Congenital multicore myopathy with external ophthalmoplegia (CMYO1B). Also called: Congenital myopathy 1B, autosomal recessive; Minicore myopathy with external ophthalmoplegia; MULTIMINICORE DISEASE WITH EXTERNAL OPHTHALMOPLEGIA; MULTICORE MYOPATHY; Minicore myopathy. Identifiers: Orphanet 598, Orphanet 98905, MedGen C1850674, MONDO:0009712, OMIM 255320, HP:0003789.
Central core myopathy (CMYO1A). Also called: Central core disease; Myopathy, central fibrillar; CONGENITAL MYOPATHY 1A, AUTOSOMAL DOMINANT, WITH SUSCEPTIBILITY TO MALIGNANT HYPERTHERMIA. Identifiers: Orphanet 597, MedGen C5830701, MONDO:0007294, OMIM 117000.
RYR1-related disorder. Also called: RYR1-related condition; RYR1-related disorders. Identifiers: MedGen CN239331.
Malignant hyperthermia of anesthesia. Also called: Anesthesic-triggered malignant hyperthermia. Identifiers: Orphanet 423, MedGen C0024591, MONDO:0018493, HP:0034733.
methoxyflurane response - Toxicity.
sevoflurane response - Toxicity.
succinylcholine response - Toxicity.
enflurane response - Toxicity.
halothane response - Toxicity.
isoflurane response - Toxicity.
desflurane response - Toxicity.

Allele frequency attached by ClinVar (database versions not stated): gnomAD exomes below 0.00001; TOPMed below 0.00001; gnomAD 0.00001.
gnomAD v4.1: 6 of 1,613,860 alleles (0.00037%); highest among the groups gnomAD compares: Non-Finnish European, 0.00051%; no homozygotes.

Submissions 1 to 10 of 21:

ClinGen Malignant Hyperthermia Susceptibility Variant Curation Expert Panel, ClinGen
Classification: Likely pathogenic for Malignant hyperthermia, susceptibility to, 1. Last evaluated: 2025-08-01. Review status: reviewed by expert panel. Criteria: RYR1-MHS Interpretation Guidelines V2. Collection method: curation. Allele origin: germline. Inheritance: Autosomal dominant inheritance.
Comment: This pathogenicity assessment is relevant only for malignant hyperthermia susceptibility (MHS) inherited in an autosomal dominant pattern. Variants in RYR1 can also cause other myopathies inherited in an autosomal dominant pattern or in an autosomal recessive pattern. Some of these disorders may predispose individuals to malignant hyperthermia. RYR1 variants may also contribute to a malignant hyperthermia reaction in combination with other genetic and non-genetic factors and the clinician needs to consider such factors in making management decisions. This sequence variant predicts a substitution of arginine with cysteine at codon 2458 of the RYR1 protein, p.(Arg2458Cys). The maximum allele frequency for this variant among the six major gnomAD populations is NFE: 0.000008, a frequency consistent with pathogenicity for MHS. This variant has been reported in six unrelated individuals with a personal or family history of a malignant hyperthermia reaction, all of these individuals had a positive in vitro contracture test (IVCT) or caffeine halothane contracture test (CHCT) result (if the proband was unavailable for testing, a positive diagnostic test result in a mutation-positive relative was counted), PS4_Moderate (PMID: 24433488, 9450902, 10051009, 15731587). Functional study in HEK293 cells showed an increased sensitivity to RYR1 agonists, PS3_Moderate (PMID: 9334205, 27586648). This variant resides in a region of RYR1 considered to be a hotspot for pathogenic variants that contribute to MHS, use PM1_Supporting to avoid overweighting with PM5 (PMID: 21118704). Another variant has been assessed as pathogenic occurs at this codon, p.(Arg2458His) PM5. A REVEL score >0.85 (0.922) supports a pathogenic status for this variant, PP3_Moderate. Based on using Bayes to combine criteria this variant is assessed as Likely Pathogenic, (PMID: 29300386). Criteria implemented: PS3_Moderate, PS4_Moderate, PM1_Supporting, PM5, PP3_Moderate.

ClinPGx
Classification: drug response for desflurane response - Toxicity. Last evaluated: 2021-03-24. Review status: reviewed by expert panel. Criteria: Pharmacogenomics knowledge for personalized medicine. Collection method: curation. Allele origin: germline. Affected: yes.
Comment: PharmGKB Level of Evidence 1A: Level 1A clinical annotations describe variant-drug combinations that have variant-specific prescribing guidance available in a current clinical guideline annotation or an FDA-approved drug label annotation. Annotations of drug labels or clinical guidelines must give prescribing guidance for specific variants (e.g. CYP2C9*3, HLA-B*57:01) or provide mapping from defined allele functions to diplotypes and phenotypes to be used as supporting evidence for a level 1A clinical annotation. Level 1A clinical annotations must also be supported by at least one publication in addition to a clinical guideline or drug label with variant-specific prescribing guidance.

Drug is not necessarily used to treat response condition

ClinPGx
Classification: drug response for enflurane response - Toxicity. Last evaluated: 2021-03-24. Review status: reviewed by expert panel. Criteria: Pharmacogenomics knowledge for personalized medicine. Collection method: curation. Allele origin: germline. Affected: yes.
Comment: the same text as in the submission from ClinPGx above.

ClinPGx
Classification: drug response for halothane response - Toxicity. Last evaluated: 2021-03-24. Review status: reviewed by expert panel. Criteria: Pharmacogenomics knowledge for personalized medicine. Collection method: curation. Allele origin: germline. Affected: yes.
Comment: the same text as in the submission from ClinPGx above.

ClinPGx
Classification: drug response for isoflurane response - Toxicity. Last evaluated: 2021-03-24. Review status: reviewed by expert panel. Criteria: Pharmacogenomics knowledge for personalized medicine. Collection method: curation. Allele origin: germline. Affected: yes.
Comment: the same text as in the submission from ClinPGx above.

ClinPGx
Classification: drug response for methoxyflurane response - Toxicity. Last evaluated: 2021-03-24. Review status: reviewed by expert panel. Criteria: Pharmacogenomics knowledge for personalized medicine. Collection method: curation. Allele origin: germline. Affected: yes.
Comment: the same text as in the submission from ClinPGx above.

ClinPGx
Classification: drug response for sevoflurane response - Toxicity. Last evaluated: 2021-03-24. Review status: reviewed by expert panel. Criteria: Pharmacogenomics knowledge for personalized medicine. Collection method: curation. Allele origin: germline. Affected: yes.
Comment: the same text as in the submission from ClinPGx above.

ClinPGx
Classification: drug response for succinylcholine response - Toxicity. Last evaluated: 2021-03-24. Review status: reviewed by expert panel. Criteria: Pharmacogenomics knowledge for personalized medicine. Collection method: curation. Allele origin: germline. Affected: yes.
Comment: the same text as in the submission from ClinPGx above.

Variantyx, Inc.
Classification: Likely pathogenic for Malignant hyperthermia, susceptibility to, 1. Last evaluated: 2025-12-31. Review status: criteria provided, single submitter. Criteria: Variantyx Assertion Criteria 2022. Collection method: clinical testing. Allele origin: germline. Inheritance: Autosomal dominant inheritance. Affected: yes. Not counted in ClinVar's aggregate classification.
Comment: This is a nonsynonymous variant in the RYR1 gene (OMIM: 180901). Pathogenic variants in this gene have been associated with autosomal dominant susceptibility to malignant hyperthermia. This variant has been reported in at least six unrelated affected individuals (PMID: 9450902, 10051009, 15731587, 24433488) (PS4_Moderate). Functional studies have shown that this variant alters RYR1 protein function (PMID: 27586648, 9334205) (PS3_Moderate), and multiple computational algorithms predict a deleterious effect for this variant (REVEL score: 0.922) (PP3). Moreover, thew variant lies within a known hotspot for pathogenic variants or a well-established critical functional domain of the RYR1 protein (PM1_Supporting), and an alternate amino acid change at this position (p.Arg2458Leu) has been previously reported in similarly affected individuals, which suggests that this residue is biologically important (PM5). This variant has a 0.0005% maximum allele frequency in non-founder control populations. Based on the current evidence, this variant is classified as likely pathogenic for autosomal dominant susceptibility to malignant hyperthermia.

3billion
Classification: Pathogenic for Congenital multicore myopathy with external ophthalmoplegia. Last evaluated: 2025-12-18. Review status: criteria provided, single submitter. Criteria: ACMG Guidelines, 2015. Collection method: clinical testing. Allele origin: germline. Affected: yes. Not counted in ClinVar's aggregate classification.
Comment: The variant is observed at an extremely low frequency in the gnomAD v4.1.0 dataset (total allele frequency: <0.001%). Predicted Consequence/Location: The variant is located in a mutational hot spot and/or well-established functional domain in which established pathogenic variants have been reported (PMID: 33767344). In silico tool predictions suggest damaging effect of the variant on gene or gene product [REVEL: 0.92 (>=0.6, sensitivity 0.68 and specificity 0.92); 3Cnet: 0.89 (> 0.75, sensitivity 0.96 and precision 0.92)]. The same nucleotide change resulting in the same amino acid change has been previously reported as pathogenic/likely pathogenic with strong evidence (ClinVar ID: VCV000012971 /PMID: 9450902). Different missense changes at the same codon (p.Arg2458His, p.Arg2458Leu) have been reported as pathogenic/likely pathogenic with strong evidence (ClinVar ID: VCV000012972, VCV000590585 /PMID: 21965348, 9450902). Therefore, this variant is classified as Pathogenic according to the recommendation of ACMG/AMP guideline.

NM_000540.3(RYR1):c.7372C>T (p.Arg2458Cys)

Gene: RYR1 (ryanodine receptor 1; plus strand). Cytogenetic location: 19q13.2.
Variant type: single nucleotide variant.
Coding change: c.7372C>T on transcript NM_000540.3 (MANE Select); coding-DNA position 7372, C replaced by T.
Protein change: p.Arg2458Cys; replaces arginine 2458 with cysteine.
Molecular consequence: missense variant.
Genome position (GRCh38, 1-based): chr19:38,500,654, C>T. VCF-style: chr19-38500654-C-T. GRCh37 (hg19) VCF-style: chr19-38991294-C-T.
Other names: NM_000540.3(RYR1):c.7372C>T; c.7372C>T, p.Arg2458Cys (NM_001042723.2); short protein forms R2458C.
Identifiers: ClinVar variation 12971 (VCV000012971.29), dbSNP rs28933397, ClinGen allele CA024784.